The following is an entry in ClinVar:

ClinVar aggregate classification (germline): Uncertain significance. Review status: criteria provided, multiple submitters, no conflicts (2 of 4 stars). 2 submissions from 2 submitters: Uncertain significance (2). Last evaluated 2024-10-04.

Conditions:
Inborn genetic diseases. Identifiers: MedGen C0950123, MeSH D030342.

Allele frequency attached by ClinVar (database versions not stated): gnomAD exomes below 0.00001; TOPMed below 0.00001; gnomAD 0.00001.
gnomAD v4.1: 5 of 1,613,322 alleles (0.00031%); highest among the groups gnomAD compares: African/African-American, 0.0013%; no homozygotes.

Submissions (2):

Labcorp Genetics (formerly Invitae), Labcorp
Classification: Uncertain significance. Last evaluated: 2024-10-04. Review status: criteria provided, single submitter. Criteria: Invitae Variant Classification Sherloc (09022015). Collection method: clinical testing. Allele origin: germline.
Comment: This sequence change replaces isoleucine, which is neutral and non-polar, with valine, which is neutral and non-polar, at codon 265 of the FAR1 protein (p.Ile265Val). This variant is present in population databases (no rsID available, gnomAD 0.004%). This variant has not been reported in the literature in individuals affected with FAR1-related conditions. ClinVar contains an entry for this variant (Variation ID: 1366993). Invitae Evidence Modeling of protein sequence and biophysical properties (such as structural, functional, and spatial information, amino acid conservation, physicochemical variation, residue mobility, and thermodynamic stability) indicates that this missense variant is not expected to disrupt FAR1 protein function with a negative predictive value of 80%. In summary, the available evidence is currently insufficient to determine the role of this variant in disease. Therefore, it has been classified as a Variant of Uncertain Significance.

Ambry Genetics
Classification: Uncertain significance for Inborn genetic diseases. Last evaluated: 2022-08-12. Review status: criteria provided, single submitter. Criteria: Ambry Variant Classification Scheme 2023. Collection method: clinical testing. Allele origin: germline.

NM_032228.6(FAR1):c.793A>G (p.Ile265Val)

Gene: FAR1 (fatty acyl-CoA reductase 1; plus strand). Cytogenetic location: 11p15.3.
Variant type: single nucleotide variant.
Coding change: c.793A>G on transcript NM_032228.6 (MANE Select); coding-DNA position 793, A replaced by G.
Protein change: p.Ile265Val; replaces isoleucine 265 with valine.
Molecular consequence: missense variant.
Genome position (GRCh38, 1-based): chr11:13,711,952, A>G. VCF-style: chr11-13711952-A-G. GRCh37 (hg19) VCF-style: chr11-13733499-A-G.
Other names: c.793A>G (NM_032228.5); short protein forms I265V.
Identifiers: ClinVar variation 1366993 (VCV001366993.9), dbSNP rs1389170532, ClinGen allele CA379857723.
Genomic context (GRCh38, chr11:13,711,952, plus strand): 5'-ATATATCTTAAGGTGTTGTTTTTAATTTCAACAAAGGCAGGGAAAGGAATTCTTCGAACA[A>G]TACGTGCCTCCAACAATGCCCTTGCAGATCTTGTTCCTGTAGATGTAGTTGTCAACATGA-3'
Protein context (NP_115604.1, residues 255-275): IAAGKGILRT[Ile265Val]RASNNALADL